The following is an entry in ClinVar:

ClinVar aggregate classification (germline): Uncertain significance (1 of 4 stars; one submission).

Allele frequency attached by ClinVar (database versions not stated): gnomAD exomes below 0.00001.
gnomAD v4.1: 2 of 1,611,836 alleles (0.00012%); highest among the groups gnomAD compares: Non-Finnish European, 0.00017%; no homozygotes.

Submission:

GeneDx
Classification: Uncertain significance. Last evaluated: 2023-04-10. Review status: criteria provided, single submitter. Criteria: GeneDx Variant Classification Process June 2021. Collection method: clinical testing. Allele origin: germline. Affected: yes.
Comment: Nonsense variant predicted to result in protein truncation or nonsense mediated decay in a gene or region of a gene for which loss of function is not a well-established mechanism of disease; Not observed at significant frequency in large population cohorts (gnomAD); Has not been previously published as pathogenic or benign to our knowledge

NM_021096.4(CACNA1I):c.5536C>T (p.Gln1846Ter)

Gene: CACNA1I (calcium voltage-gated channel subunit alpha1 I; plus strand). Cytogenetic location: 22q13.1.
Variant type: single nucleotide variant.
Coding change: c.5536C>T on transcript NM_021096.4 (MANE Select); coding-DNA position 5536, C replaced by T.
Protein change: p.Gln1846Ter; replaces glutamine 1846 with a stop codon.
Molecular consequence: nonsense.
Genome position (GRCh38, 1-based): chr22:39,679,863, C>T. VCF-style: chr22-39679863-C-T. GRCh37 (hg19) VCF-style: chr22-40075868-C-T.
Other names: c.5431C>T, p.Gln1811Ter (NM_001003406.2); short protein forms Q1811*, Q1846*.
Identifiers: ClinVar variation 2663734 (VCV002663734.1), dbSNP rs2518200750, ClinGen allele CA411638351.